The following is an entry in ClinVar:

ClinVar aggregate classification (germline): Uncertain significance (1 of 4 stars; one submission).

Conditions:
Early Myoclonic Encephalopathy. Identifiers: MedGen C0270855.

gnomAD v4.1: 1 of 1,613,654 alleles (0.000062%); highest among the groups gnomAD compares: East Asian, 0.0022%; no homozygotes.

Submission:

Labcorp Genetics (formerly Invitae), Labcorp
Classification: Uncertain significance for Early Myoclonic Encephalopathy. Last evaluated: 2025-04-12. Review status: criteria provided, single submitter. Criteria: Invitae Variant Classification Sherloc (09022015). Collection method: clinical testing. Allele origin: germline.
Comment: This sequence change replaces threonine, which is neutral and polar, with isoleucine, which is neutral and non-polar, at codon 454 of the JMJD1C protein (p.Thr454Ile). This variant is not present in population databases (gnomAD no frequency). This variant has not been reported in the literature in individuals affected with JMJD1C-related conditions. ClinVar contains an entry for this variant (Variation ID: 3658492). An algorithm developed to predict the effect of missense changes on protein structure and function (PolyPhen-2) suggests that this variant is likely to be tolerated. In summary, the available evidence is currently insufficient to determine the role of this variant in disease. Therefore, it has been classified as a Variant of Uncertain Significance.

NM_032776.3(JMJD1C):c.1361C>T (p.Thr454Ile)

Gene: JMJD1C (jumonji domain containing 1C; minus strand). Cytogenetic location: 10q21.3.
Variant type: single nucleotide variant.
Coding change: c.1361C>T on transcript NM_032776.3 (MANE Select); coding-DNA position 1361, C replaced by T.
Protein change: p.Thr454Ile; replaces threonine 454 with isoleucine.
Molecular consequence: missense variant. On other transcripts: non-coding transcript variant (1).
Genome position (GRCh38, 1-based): chr10:63,214,806, G>A on the plus strand (C>T on the coding strand, the complement: JMJD1C is on the minus strand). VCF-style: chr10-63214806-G-A. GRCh37 (hg19) VCF-style: chr10-64974566-G-A.
Other names: c.815C>T, p.Thr272Ile (NM_001282948.2, NM_001318154.2); c.497C>T, p.Thr166Ile (NM_001318153.2); c.1247C>T, p.Thr416Ile (NM_001322252.2); c.704C>T, p.Thr235Ile (NM_001322254.2, NM_001322258.2); short protein forms T166I, T416I, T272I, T235I, T454I.
Identifiers: ClinVar variation 3658492 (VCV003658492.2).